The following is an entry in ClinVar:

NM_005862.3(STAG1):c.3292T>C (p.Trp1098Arg)

Gene: STAG1 (STAG1 cohesin complex component; minus strand). Cytogenetic location: 3q22.3.
Variant type: single nucleotide variant.
Coding change: c.3292T>C on transcript NM_005862.3 (MANE Select); coding-DNA position 3292, T replaced by C.
Protein change: p.Trp1098Arg; replaces tryptophan 1098 with arginine.
Molecular consequence: missense variant.
Genome position (GRCh38, 1-based): chr3:136,343,986, A>G on the plus strand (T>C on the coding strand, the complement: STAG1 is on the minus strand). VCF-style: chr3-136343986-A-G. GRCh37 (hg19) VCF-style: chr3-136062828-A-G.
Other names: short protein forms W1098R.
Identifiers: ClinVar variation 2574337 (VCV002574337.1), dbSNP rs1326581908, ClinGen allele CA354653209.

ClinVar aggregate classification (germline): Uncertain significance (1 of 4 stars; one submission).

Allele frequency attached by ClinVar (database versions not stated): gnomAD 0.00001; TOPMed 0.00001.
gnomAD v4.1: 1 of 1,595,588 alleles (0.000063%); highest among the groups gnomAD compares: African/African-American, 0.0014%; no homozygotes.

Submission:

GeneDx
Classification: Uncertain significance. Last evaluated: 2023-01-25. Review status: criteria provided, single submitter. Criteria: GeneDx Variant Classification Process June 2021. Collection method: clinical testing. Allele origin: germline. Affected: yes.
Comment: Not observed at significant frequency in large population cohorts (gnomAD); In silico analysis supports that this missense variant has a deleterious effect on protein structure/function; Has not been previously published as pathogenic or benign to our knowledge